The following is an entry in ClinVar:

ClinVar aggregate classification (germline): Uncertain significance. Review status: criteria provided, multiple submitters, no conflicts (2 of 4 stars). 2 submissions from 2 submitters: Uncertain significance (2). Last evaluated 2024-05-06.

Conditions:
Inborn genetic diseases. Identifiers: MedGen C0950123, MeSH D030342.

Allele frequency attached by ClinVar (database versions not stated): ExAC 0.00001; gnomAD 0.00004; TOPMed 0.00009; 1000 Genomes Project 30x 0.00016.

Submissions (2):

Labcorp Genetics (formerly Invitae), Labcorp
Classification: Uncertain significance. Last evaluated: 2024-05-06. Review status: criteria provided, single submitter. Criteria: Invitae Variant Classification Sherloc (09022015). Collection method: clinical testing. Allele origin: germline.
Comment: This sequence change replaces alanine, which is neutral and non-polar, with aspartic acid, which is acidic and polar, at codon 27 of the ATP5D protein (p.Ala27Asp). This variant is not present in population databases (gnomAD no frequency). This variant has not been reported in the literature in individuals affected with ATP5D-related conditions. ClinVar contains an entry for this variant (Variation ID: 1981016). Experimental studies and prediction algorithms are not available or were not evaluated, and the functional significance of this variant is currently unknown. In summary, the available evidence is currently insufficient to determine the role of this variant in disease. Therefore, it has been classified as a Variant of Uncertain Significance.

Ambry Genetics
Classification: Uncertain significance for Inborn genetic diseases. Last evaluated: 2023-10-05. Review status: criteria provided, single submitter. Criteria: Ambry Variant Classification Scheme 2023. Collection method: clinical testing. Allele origin: germline.

NM_001687.5(ATP5F1D):c.80C>A (p.Ala27Asp)

Genes: ATP5F1D (ATP synthase F1 subunit delta; plus strand), LOC130062903 (ATAC-STARR-seq lymphoblastoid silent region 9673; plus strand). Cytogenetic location: 19p13.3.
Variant type: single nucleotide variant.
Coding change: c.80C>A on transcript NM_001687.5 (MANE Select); coding-DNA position 80, C replaced by A.
Protein change: p.Ala27Asp; replaces alanine 27 with aspartic acid.
Molecular consequence: missense variant.
Genome position (GRCh38, 1-based): chr19:1,241,930, C>A. VCF-style: chr19-1241930-C-A. GRCh37 (hg19) VCF-style: chr19-1241929-C-A.
Other names: c.80C>A (NM_001687.4); c.80C>A, p.Ala27Asp (NM_001001975.2); short protein forms A27D.
Identifiers: ClinVar variation 1981016 (VCV001981016.5), dbSNP rs770468736, ClinGen allele CA9040194.